The following is an entry in ClinVar:

ClinVar aggregate classification (germline): Uncertain significance. Review status: criteria provided, multiple submitters, no conflicts (2 of 4 stars). 2 submissions from 2 submitters: Uncertain significance (2). Last evaluated 2023-12-12.

Conditions:
Inborn genetic diseases. Identifiers: MedGen C0950123, MeSH D030342.

Allele frequency attached by ClinVar (database versions not stated): gnomAD exomes below 0.00001.
gnomAD v4.1: 3 of 1,614,218 alleles (0.00019%); highest among the groups gnomAD compares: Middle Eastern, 0.016%; no homozygotes.

Submissions (2):

Ambry Genetics
Classification: Uncertain significance for Inborn genetic diseases. Last evaluated: 2023-12-12. Review status: criteria provided, single submitter. Criteria: Ambry Variant Classification Scheme 2023. Collection method: clinical testing. Allele origin: germline.

Labcorp Genetics (formerly Invitae), Labcorp
Classification: Uncertain significance. Last evaluated: 2022-04-21. Review status: criteria provided, single submitter. Criteria: Invitae Variant Classification Sherloc (09022015). Collection method: clinical testing. Allele origin: germline.
Comment: This sequence change replaces histidine, which is basic and polar, with arginine, which is basic and polar, at codon 2402 of the LRP2 protein (p.His2402Arg). This variant is present in population databases (no rsID available, gnomAD 0.03%). This variant has not been reported in the literature in individuals affected with LRP2-related conditions. Advanced modeling of protein sequence and biophysical properties (such as structural, functional, and spatial information, amino acid conservation, physicochemical variation, residue mobility, and thermodynamic stability) performed at Invitae indicates that this missense variant is not expected to disrupt LRP2 protein function. In summary, the available evidence is currently insufficient to determine the role of this variant in disease. Therefore, it has been classified as a Variant of Uncertain Significance.

NM_004525.3(LRP2):c.7205A>G (p.His2402Arg)

Gene: LRP2 (LDL receptor related protein 2; minus strand). Cytogenetic location: 2q31.1.
Variant type: single nucleotide variant.
Coding change: c.7205A>G on transcript NM_004525.3 (MANE Select); coding-DNA position 7205, A replaced by G.
Protein change: p.His2402Arg; replaces histidine 2402 with arginine.
Molecular consequence: missense variant.
Genome position (GRCh38, 1-based): chr2:169,206,515, T>C on the plus strand (A>G on the coding strand, the complement: LRP2 is on the minus strand). VCF-style: chr2-169206515-T-C. GRCh37 (hg19) VCF-style: chr2-170063025-T-C.
Other names: c.7205A>G (NM_004525.2); short protein forms H2402R.
Identifiers: ClinVar variation 2129015 (VCV002129015.2), dbSNP rs1478838077, ClinGen allele CA349171324.